The following is an entry in ClinVar:

ClinVar aggregate classification (germline): Uncertain significance. Review status: criteria provided, multiple submitters, no conflicts (2 of 4 stars). 2 submissions from 2 submitters: Uncertain significance (2). Last evaluated 2024-06-17.

Allele frequency attached by ClinVar (database versions not stated): TOPMed 0.00001; ExAC 0.00002; gnomAD 0.00002; gnomAD exomes 0.00002.
gnomAD v4.1: 29 of 1,613,986 alleles (0.0018%); highest among the groups gnomAD compares: Non-Finnish European, 0.0024%; no homozygotes.

Submissions (2):

Blueprint Genetics
Classification: Uncertain significance. Last evaluated: 2024-06-17. Review status: criteria provided, single submitter. Criteria: ACMG Guidelines, 2015. Collection method: clinical testing. Allele origin: germline.

Labcorp Genetics (formerly Invitae), Labcorp
Classification: Uncertain significance. Last evaluated: 2023-11-27. Review status: criteria provided, single submitter. Criteria: Invitae Variant Classification Sherloc (09022015). Collection method: clinical testing. Allele origin: germline.
Comment: This sequence change replaces glycine, which is neutral and non-polar, with valine, which is neutral and non-polar, at codon 221 of the NUBPL protein (p.Gly221Val). This variant is present in population databases (rs200832029, gnomAD 0.005%). This variant has not been reported in the literature in individuals affected with NUBPL-related conditions. ClinVar contains an entry for this variant (Variation ID: 1947466). Advanced modeling of protein sequence and biophysical properties (such as structural, functional, and spatial information, amino acid conservation, physicochemical variation, residue mobility, and thermodynamic stability) performed at Invitae indicates that this missense variant is expected to disrupt NUBPL protein function with a positive predictive value of 80%. In summary, the available evidence is currently insufficient to determine the role of this variant in disease. Therefore, it has been classified as a Variant of Uncertain Significance.

NM_025152.3(NUBPL):c.662G>T (p.Gly221Val)

Gene: NUBPL (NUBP iron-sulfur cluster assembly factor, mitochondrial; plus strand). Cytogenetic location: 14q12.
Variant type: single nucleotide variant.
Coding change: c.662G>T on transcript NM_025152.3 (MANE Select); coding-DNA position 662, G replaced by T.
Protein change: p.Gly221Val; replaces glycine 221 with valine.
Molecular consequence: missense variant. On other transcripts: non-coding transcript variant (1).
Genome position (GRCh38, 1-based): chr14:31,826,683, G>T. VCF-style: chr14-31826683-G-T. GRCh37 (hg19) VCF-style: chr14-32295889-G-T.
Other names: c.374G>T, p.Gly125Val (NM_001201573.2); c.113G>T, p.Gly38Val (NM_001201574.2); short protein forms G125V, G221V, G38V.
Identifiers: ClinVar variation 1947466 (VCV001947466.6), dbSNP rs200832029, ClinGen allele CA7147941.